The following is an entry in ClinVar:

ClinVar aggregate classification (germline): Conflicting classifications of pathogenicity. Review status: criteria provided, conflicting classifications (1 of 4 stars). 5 submissions from 5 submitters: Uncertain significance (1); Likely benign (4). Last evaluated 2026-04-21.

Conditions:
Familial hypocalciuric hypercalcemia (FHH). Also called: Familial benign hypercalcemia. Identifiers: Orphanet 405, MedGen C1809471, MONDO:0018458.
Autosomal dominant hypocalcemia 1 (HYPOC1). Also called: HYPOCALCEMIA, FAMILIAL. Identifiers: MedGen C3715128, MONDO:0011013, OMIM 601198.
CASR-related disorder. Also called: CASR-related condition.
Nephrolithiasis/nephrocalcinosis. Identifiers: MedGen CN580796.

Allele frequency attached by ClinVar (database versions not stated): TOPMed 0.00004; gnomAD 0.00013.
gnomAD v4.1: 49 of 1,613,802 alleles (0.003%); highest among the groups gnomAD compares: Middle Eastern, 0.033%; no homozygotes.

Submissions (5):

PreventionGenetics, part of Exact Sciences
Classification: Likely benign for CASR-related condition. Last evaluated: 2026-04-21. Review status: criteria provided, single submitter. Criteria: ACMG Guidelines, 2015. Collection method: clinical testing. Allele origin: germline.
Comment: This variant is classified as likely benign based on ACMG/AMP sequence variant interpretation guidelines (Richards et al. 2015 PMID: 25741868, with internal and published modifications).

Labcorp Genetics (formerly Invitae), Labcorp
Classification: Likely benign for Familial hypocalciuric hypercalcemia; Autosomal dominant hypocalcemia 1. Last evaluated: 2025-09-22. Review status: criteria provided, single submitter. Criteria: Invitae Variant Classification Sherloc (09022015). Collection method: clinical testing. Allele origin: germline.

Blueprint Genetics
Classification: Likely benign. Last evaluated: 2024-10-30. Review status: criteria provided, single submitter. Criteria: ACMG Guidelines, 2015. Collection method: clinical testing. Allele origin: germline.

Ambry Genetics
Classification: Likely benign for Nephrolithiasis/nephrocalcinosis. Last evaluated: 2020-01-06. Review status: criteria provided, single submitter. Criteria: Ambry Variant Classification Scheme 2023. Collection method: clinical testing. Allele origin: germline.

Eurofins Ntd Llc (ga)
Classification: Uncertain significance. Last evaluated: 2017-06-16. Review status: criteria provided, single submitter. Criteria: EGL Classification Definitions 2015. Collection method: clinical testing. Allele origin: germline. Observed: 1 variant allele, 1 heterozygote.

NM_000388.4(CASR):c.1287C>T (p.His429=)

Gene: CASR (calcium sensing receptor; plus strand). Cytogenetic location: 3q21.1.
Variant type: single nucleotide variant.
Coding change: c.1287C>T on transcript NM_000388.4 (MANE Select); coding-DNA position 1287, C replaced by T.
Protein change: p.His429=; no amino-acid change (histidine 429 retained).
Molecular consequence: synonymous variant.
Genome position (GRCh38, 1-based): chr3:122,262,322, C>T. VCF-style: chr3-122262322-C-T. GRCh37 (hg19) VCF-style: chr3-121981169-C-T.
Other names: c.1287C>T (NM_001178065.1); c.1287C>T, p.His429= (NM_001178065.2).
Identifiers: ClinVar variation 463896 (VCV000463896.19), dbSNP rs746515147, ClinGen allele CA2569618.